The following is an entry in ClinVar:

NM_014679.5(CEP57):c.1331T>C (p.Leu444Pro)

Gene: CEP57 (centrosomal protein 57; plus strand). Cytogenetic location: 11q21.
Variant type: single nucleotide variant.
Coding change: c.1331T>C on transcript NM_014679.5 (MANE Select); coding-DNA position 1331, T replaced by C.
Protein change: p.Leu444Pro; replaces leucine 444 with proline.
Molecular consequence: missense variant.
Genome position (GRCh38, 1-based): chr11:95,831,084, T>C. VCF-style: chr11-95831084-T-C. GRCh37 (hg19) VCF-style: chr11-95564248-T-C.
Other names: c.1331T>C (NM_014679.4); c.1304T>C, p.Leu435Pro (NM_001243776.2); c.1253T>C, p.Leu418Pro (NM_001243777.2); c.1250T>C, p.Leu417Pro (NM_001363604.2); short protein forms L417P, L418P, L435P, L444P.
Identifiers: ClinVar variation 2077142 (VCV002077142.5), dbSNP rs1468744386, ClinGen allele CA382409488.
Genomic context (GRCh38, chr11:95,831,084, plus strand): 5'-AGCTGGAGAAACAGAAGTTAGAGAAGCAGAAGAAGGAATTAAAAGCTACCAAAAAGACTC[T>C]TGATGAAGAAAGAAACAGCAGCAGCCGTTCTGGAATCACAGGGACCACAAATAAGAAAGA-3'
Protein context (NP_055494.2, residues 434-454): KKELKATKKT[Leu444Pro]DEERNSSSRS

ClinVar aggregate classification (germline): Uncertain significance. Review status: criteria provided, multiple submitters, no conflicts (2 of 4 stars). 2 submissions from 2 submitters: Uncertain significance (2). Last evaluated 2024-11-26.

Conditions:
Mosaic variegated aneuploidy syndrome 2 (MVA2). Identifiers: Orphanet 1052, MedGen C3279843, MONDO:0013582, OMIM 614114.
Inborn genetic diseases. Identifiers: MedGen C0950123, MeSH D030342.

Allele frequency attached by ClinVar (database versions not stated): gnomAD exomes below 0.00001; TOPMed 0.00001.
gnomAD v4.1: 3 of 1,613,412 alleles (0.00019%); highest among the groups gnomAD compares: Admixed American, 0.0017%; no homozygotes.

Submissions (2):

Ambry Genetics
Classification: Uncertain significance for Inborn genetic diseases. Last evaluated: 2024-11-26. Review status: criteria provided, single submitter. Criteria: Ambry Variant Classification Scheme 2023. Collection method: clinical testing. Allele origin: germline.
Comment: The p.L444P variant (also known as c.1331T>C), located in coding exon 11 of the CEP57 gene, results from a T to C substitution at nucleotide position 1331. The leucine at codon 444 is replaced by proline, an amino acid with similar properties. This amino acid position is conserved. In addition, this alteration is predicted to be tolerated by in silico analysis. Based on the available evidence, the clinical significance of this variant remains unclear.

Labcorp Genetics (formerly Invitae), Labcorp
Classification: Uncertain significance for Mosaic variegated aneuploidy syndrome 2. Last evaluated: 2023-03-27. Review status: criteria provided, single submitter. Criteria: Invitae Variant Classification Sherloc (09022015). Collection method: clinical testing. Allele origin: germline.
Comment: ClinVar contains an entry for this variant (Variation ID: 2077142). This variant has not been reported in the literature in individuals affected with CEP57-related conditions. This variant is present in population databases (no rsID available, gnomAD 0.003%). This sequence change replaces leucine, which is neutral and non-polar, with proline, which is neutral and non-polar, at codon 444 of the CEP57 protein (p.Leu444Pro). Advanced modeling of protein sequence and biophysical properties (such as structural, functional, and spatial information, amino acid conservation, physicochemical variation, residue mobility, and thermodynamic stability) performed at Invitae indicates that this missense variant is not expected to disrupt CEP57 protein function. In summary, the available evidence is currently insufficient to determine the role of this variant in disease. Therefore, it has been classified as a Variant of Uncertain Significance.